The following is an entry in ClinVar:

NM_021926.4(ALX4):c.1173G>A (p.Ser391=)

Gene: ALX4 (ALX homeobox 4; minus strand). Cytogenetic location: 11p11.2.
Variant type: single nucleotide variant.
Coding change: c.1173G>A on transcript NM_021926.4 (MANE Select); coding-DNA position 1173, G replaced by A.
Protein change: p.Ser391=; no amino-acid change (serine 391 retained).
Molecular consequence: synonymous variant.
Genome position (GRCh38, 1-based): chr11:44,264,917, C>T on the plus strand (G>A on the coding strand, the complement: ALX4 is on the minus strand). VCF-style: chr11-44264917-C-T. GRCh37 (hg19) VCF-style: chr11-44286467-C-T.
Identifiers: ClinVar variation 2641730 (VCV002641730.27), dbSNP rs753493510, ClinGen allele CA5955506.

ClinVar aggregate classification (germline): Likely benign. Review status: criteria provided, multiple submitters, no conflicts (2 of 4 stars). 3 submissions from 3 submitters: Likely benign (3). Last evaluated 2024-04-11.

Allele frequency attached by ClinVar (database versions not stated): ExAC 0.00002.
gnomAD v4.1: 20 of 1,612,920 alleles (0.0012%); highest among the groups gnomAD compares: South Asian, 0.0022%; no homozygotes.

Submissions (3):

Labcorp Genetics (formerly Invitae), Labcorp
Classification: Likely benign. Last evaluated: 2024-04-11. Review status: criteria provided, single submitter. Criteria: Invitae Variant Classification Sherloc (09022015). Collection method: clinical testing. Allele origin: germline.

CeGaT Center for Human Genetics Tuebingen
Classification: Likely benign. Last evaluated: 2023-08-01. Review status: criteria provided, single submitter. Criteria: CeGaT Center For Human Genetics Tuebingen Variant Classification Criteria Version 2. Collection method: clinical testing. Allele origin: germline. Affected: yes. Observed: 1 variant allele.
Comment: ALX4: BP4, BP7

Blueprint Genetics
Classification: Likely benign. Last evaluated: 2020-04-23. Review status: criteria provided, single submitter. Criteria: ACMG Guidelines, 2015. Collection method: clinical testing. Allele origin: germline.